The following is an entry in ClinVar:

NM_003873.7(NRP1):c.409C>G (p.Arg137Gly)

Gene: NRP1 (neuropilin 1; minus strand). Cytogenetic location: 10p11.22.
Variant type: single nucleotide variant.
Coding change: c.409C>G on transcript NM_003873.7 (MANE Select); coding-DNA position 409, C replaced by G.
Protein change: p.Arg137Gly; replaces arginine 137 with glycine.
Molecular consequence: missense variant.
Genome position (GRCh38, 1-based): chr10:33,270,696, G>C on the plus strand (C>G on the coding strand, the complement: NRP1 is on the minus strand). VCF-style: chr10-33270696-G-C. GRCh37 (hg19) VCF-style: chr10-33559624-G-C.
Other names: c.409C>G, p.Arg137Gly (NM_001024628.3, NM_001024629.3, NM_001244972.2 and 2 more transcripts); short protein forms R137G.
Identifiers: ClinVar variation 3346635 (VCV003346635.1).
Genomic context (GRCh38, chr10:33,270,696, plus strand): 5'-TCTTAGTCATTCTTGTTCTACCGTAAGCTGTTCACTCACCTCTCTTGAAAATTTCATAAC[G>C]TATGGAAAATCCTGCACCATGTGTTTCGTAGTCAGAGACAAATTTGATAAAAAGAAATGG-3'
Protein context (NP_003864.5, residues 127-147): YETHGAGFSI[Arg137Gly]YEIFKRGPEC

ClinVar aggregate classification (germline): Uncertain significance (0 of 4 stars; one submission).

Conditions:
NRP1-related disorder. Also called: NRP1-related condition.

Submission:

PreventionGenetics, part of Exact Sciences
Classification: Uncertain significance for NRP1-related condition. Last evaluated: 2024-09-26. Review status: no assertion criteria provided. Collection method: clinical testing. Allele origin: germline.
Comment: The NRP1 c.409C>G variant is predicted to result in the amino acid substitution p.Arg137Gly. To our knowledge, this variant has not been reported in the literature or in a large population database, indicating this variant is rare. At this time, the clinical significance of this variant is uncertain due to the absence of conclusive functional and genetic evidence.